The following is an entry in ClinVar:

ClinVar aggregate classification (germline): Pathogenic (1 of 4 stars; one submission).

Conditions:
Primary ciliary dyskinesia 3. Identifiers: Orphanet 244, MedGen C1837618, MONDO:0012085, OMIM 608644.

Submission:

Myriad Genetics, Inc.
Classification: Pathogenic for Primary ciliary dyskinesia 3. Last evaluated: 2024-05-14. Review status: criteria provided, single submitter. Criteria: Myriad Autosomal Dominant, Autosomal Recessive and X-Linked Classification Criteria (2023). Collection method: clinical testing. Allele origin: unknown.
Comment: NM_001369.2(DNAH5):c.963_964del2ins13(K322Ifs*7) is expected to be pathogenic in the context of primary ciliary dyskinesia, DNAH5-related. This variant is predicted to lead to an abnormal or absent protein product due to the creation of a premature termination codon in DNAH5, a gene where loss-of-function variants are known to be pathogenic. Please note: this variant was assessed in the context of healthy population screening.

NM_001369.3(DNAH5):c.963_964delinsTATTGACTGTTTT (p.Lys322fs)

Gene: DNAH5 (dynein axonemal heavy chain 5; minus strand). Cytogenetic location: 5p15.2.
Variant type: Indel.
Coding change: c.963_964delinsTATTGACTGTTTT on transcript NM_001369.3 (MANE Select); coding-DNA positions 963 to 964, GA replaced by TATTGACTGTTTT.
Protein change: p.Lys322fs; shifts the reading frame from lysine 322.
Molecular consequence: frameshift variant.
Genome position (GRCh38, 1-based): chr5:13,919,187-13,919,188, TC replaced by AAAACAGTCAATA on the plus strand (GA replaced by TATTGACTGTTTT on the coding strand, the reverse complement: DNAH5 is on the minus strand). VCF-style: chr5-13919187-TC-AAAACAGTCAATA. GRCh37 (hg19) VCF-style: chr5-13919296-TC-AAAACAGTCAATA.
Other names: short protein forms K322fs.
Identifiers: ClinVar variation 5010700 (VCV005010700.1).
Genomic context (GRCh38, chr5:13,919,187, plus strand): 5'-AGAGAACTCTTATTCCCATTTCACAAGGCAAAATGAAATGGCTGACGACCTTCAGCAGTT[TC>AAAACAGTCAATA]GACTTGGCCGCCGCAAGCACTGCCAGCACAGCCTTCACATCCGGGCTTTTCAATTGTTCC-3'